The following is an entry in ClinVar:

NM_000091.5(COL4A3):c.1409G>A (p.Gly470Glu)

Genes: COL4A3 (collagen type IV alpha 3 chain; plus strand), MFF-DT (MFF divergent transcript; minus strand). Cytogenetic location: 2q36.3.
Variant type: single nucleotide variant.
Coding change: c.1409G>A on transcript NM_000091.5 (MANE Select); coding-DNA position 1409, G replaced by A.
Protein change: p.Gly470Glu; replaces glycine 470 with glutamic acid.
Molecular consequence: missense variant.
Genome position (GRCh38, 1-based): chr2:227,266,993, G>A. VCF-style: chr2-227266993-G-A. GRCh37 (hg19) VCF-style: chr2-228131709-G-A.
Other names: c.1409G>A (NM_000091.4); short protein forms G470E.
Identifiers: ClinVar variation 1678539 (VCV001678539.10), dbSNP rs2125982395, ClinGen allele CA350870239.

ClinVar aggregate classification (germline): Conflicting classifications of pathogenicity. Review status: criteria provided, conflicting classifications (1 of 4 stars). 5 submissions from 5 submitters: Likely pathogenic (4); Uncertain significance (1). Last evaluated 2026-08-24.

Conditions:
Autosomal dominant Alport syndrome (ATS3A). Also called: ALPORT SYNDROME 3A, AUTOSOMAL DOMINANT; Alport syndrome dominant type; Renal failure and sensorineural hearing loss. Identifiers: Orphanet 63, Orphanet 88918, MedGen C5882663, MONDO:0007086, OMIM 104200.
Hematuria, benign familial, 2 (BFH2). Identifiers: MedGen C5830421, MONDO:0958186, OMIM 620320.
Alport syndrome 3b, autosomal recessive. Identifiers: MedGen C5882699, MONDO:0957811, OMIM 620536.
COL4A3-related disorder. Also called: COL4A3-Related Disorders; COL4A3-related condition.

Allele frequency attached by ClinVar (database versions not stated): gnomAD exomes below 0.00001.
gnomAD v4.1: 2 of 1,611,764 alleles (0.00012%); highest among the groups gnomAD compares: Non-Finnish European, 0.00017%; no homozygotes.

Submissions (5):

PreventionGenetics, part of Exact Sciences
Classification: Likely pathogenic for COL4A3-related condition. Last evaluated: 2026-08-24. Review status: criteria provided, single submitter. Criteria: ACMG Guidelines, 2015. Collection method: clinical testing. Allele origin: germline.
Comment: The COL4A3 c.1409G>A variant is predicted to result in the amino acid substitution p.Gly470Glu. To our knowledge, this variant has not been reported in the literature or in a large population database (gnomAD), indicating this variant is rare. This variant occurs at the conserved triple helical domain (residues 43-1438) of the COL4A3 protein, where substitutions of the glycine (Gly) residue are usually pathogenic (Hudson et al. 1993. PubMed ID: 8253711). In addition, this nucleotide change is located at the first base of exon 23 and is predicted to alter splicing based on available splicing prediction programs (Alamut Visual Plus v1.13; SpliceAI, Jaganathan et al. 2019. PubMed ID: 30661751). At the glycine (Gly) residues within this domain, substitutions of a glycine (Gly) with a glutamic acid (Glu) have been widely reported to be causative for autosomal dominant and recessive COL4A3-related Alport syndrome spectrum disorders (see for example, p.Gly207Glu Gao et al. 2022. PubMed ID: 36685964, autosomal dominant; p.Gly233Glu in Supplementary Table 2 of Sen et al. 2017. PubMed ID: 28780565, autosomal dominant; p.Gly499Glu in Zhang et al. 2021. PubMed ID: 33772369, autosomal recessive; p.Gly1015Glu in Badenas et al. 2002. PubMed ID: 11961012, autosomal dominant). Therefore, the c.1409G>A (p.Gly470Glu) variant is interpreted as likely pathogenic for both autosomal dominant and recessive COL4A3-related Alport syndrome spectrum disorders.

Labcorp Genetics (formerly Invitae), Labcorp
Classification: Uncertain significance. Last evaluated: 2024-08-14. Review status: criteria provided, single submitter. Criteria: Invitae Variant Classification Sherloc (09022015). Collection method: clinical testing. Allele origin: germline.
Comment: This sequence change replaces glycine, which is neutral and non-polar, with glutamic acid, which is acidic and polar, at codon 470 of the COL4A3 protein (p.Gly470Glu). This variant is not present in population databases (gnomAD no frequency). This variant has not been reported in the literature in individuals affected with COL4A3-related conditions. ClinVar contains an entry for this variant (Variation ID: 1678539). An algorithm developed to predict the effect of missense changes on protein structure and function (PolyPhen-2) suggests that this variant is likely to be disruptive. Algorithms developed to predict the effect of sequence changes on RNA splicing suggest that this variant may disrupt the consensus splice site. In summary, the available evidence is currently insufficient to determine the role of this variant in disease. Therefore, it has been classified as a Variant of Uncertain Significance.

Fulgent Genetics
Classification: Likely pathogenic for Autosomal dominant Alport syndrome; Hematuria, benign familial, 2; Alport syndrome 3b, autosomal recessive. Last evaluated: 2024-04-08. Review status: criteria provided, single submitter. Criteria: ACMG Guidelines, 2015. Collection method: clinical testing. Allele origin: germline.

3billion
Classification: Likely pathogenic for Autosomal dominant Alport syndrome. Last evaluated: 2023-11-09. Review status: criteria provided, single submitter. Criteria: ACMG Guidelines, 2015. Collection method: clinical testing. Allele origin: germline. Affected: yes.
Comment: The variant is not observed in the gnomAD v2.1.1 dataset. Predicted Consequence/Location: Missense variant In silico tool predictions suggest damaging effect of the variant on gene or gene product [REVEL: 0.96 (>=0.6, sensitivity 0.68 and specificity 0.92); 3Cnet: 0.80 (>=0.6, sensitivity 0.72 and precision 0.9)]. Same nucleotide change resulting in same amino acid change has been previously reported as pathogenic/likely pathogenic with strong evidence (ClinVar ID: VCV001678539 /3billion dataset). Therefore, this variant is classified as Likely pathogenic according to the recommendation of ACMG/AMP guideline.

Institute of Human Genetics, Cologne University
Classification: Likely pathogenic for Autosomal dominant Alport syndrome. Last evaluated: 2022-04-12. Review status: criteria provided, single submitter. Criteria: ACMG Guidelines, 2015. Collection method: clinical testing. Allele origin: germline. Affected: yes.